The following is an entry in ClinVar:

NM_000368.5(TSC1):c.920C>A (p.Ala307Asp)

Gene: TSC1 (TSC complex subunit 1; minus strand). Cytogenetic location: 9q34.13.
Variant type: single nucleotide variant.
Coding change: c.920C>A on transcript NM_000368.5 (MANE Select); coding-DNA position 920, C replaced by A.
Protein change: p.Ala307Asp; replaces alanine 307 with aspartic acid.
Molecular consequence: missense variant. On other transcripts: 5 prime UTR variant (5), non-coding transcript variant (5).
Genome position (GRCh38, 1-based): chr9:132,911,562, G>T on the plus strand (C>A on the coding strand, the complement: TSC1 is on the minus strand). VCF-style: chr9-132911562-G-T. GRCh37 (hg19) VCF-style: chr9-135786949-G-T.
Other names: c.920C>A, p.Ala307Asp (NM_001162426.2, NM_001406592.1, NM_001406593.1 and 16 more transcripts); c.767C>A, p.Ala256Asp (NM_001162427.2, NM_001406610.1, NM_001406611.1 and 2 more transcripts); c.557C>A, p.Ala186Asp (NM_001362177.2, NM_001406615.1, NM_001406616.1 and 10 more transcripts); c.-32C>A (NM_001406626.1, NM_001406627.1, NM_001406628.1); c.-174C>A (NM_001406629.1, NM_001406630.1); short protein forms A256D, A186D, A307D.
Identifiers: ClinVar variation 4192074 (VCV004192074.1).

ClinVar aggregate classification (germline): Uncertain significance (1 of 4 stars; one submission).

Conditions:
Hereditary cancer-predisposing syndrome. Also called: Neoplastic Syndromes, Hereditary; Tumor predisposition; Hereditary Cancer Syndrome; Hereditary neoplastic syndrome. Identifiers: Orphanet 140162, MedGen C0027672, MeSH D009386, MONDO:0015356.

Submission:

Ambry Genetics
Classification: Uncertain significance for Hereditary cancer-predisposing syndrome. Last evaluated: 2025-07-11. Review status: criteria provided, single submitter. Criteria: Ambry Variant Classification Scheme 2023. Collection method: clinical testing. Allele origin: germline.
Comment: The p.A307D variant (also known as c.920C>A), located in coding exon 8 of the TSC1 gene, results from a C to A substitution at nucleotide position 920. The alanine at codon 307 is replaced by aspartic acid, an amino acid with dissimilar properties. This amino acid position is conserved. In addition, the in silico prediction for this alteration is inconclusive. Based on the available evidence, the clinical significance of this variant remains unclear.